The following is an entry in ClinVar:

ClinVar aggregate classification (germline): Pathogenic (1 of 4 stars; one submission).

Conditions:
Familial adenomatous polyposis 1 (FAP1). Also called: POLYPOSIS, ADENOMATOUS INTESTINAL; FAMILIAL ADENOMATOUS POLYPOSIS 1, ATTENUATED. Identifiers: MedGen C2713442, MONDO:0021056, OMIM 175100. Disease mechanism: loss of function.

Submission:

Labcorp Genetics (formerly Invitae), Labcorp
Classification: Pathogenic for Familial adenomatous polyposis 1. Last evaluated: 2018-08-23. Review status: criteria provided, single submitter. Criteria: Invitae Variant Classification Sherloc (09022015). Collection method: clinical testing. Allele origin: germline.
Comment: This sequence change creates a premature translational stop signal (p.Ser521Leufs*2) in the APC gene. It is expected to result in an absent or disrupted protein product. This variant is not present in population databases (ExAC no frequency). This variant has not been reported in the literature in individuals with APC-related disease. Loss-of-function variants in APC are known to be pathogenic (PMID: 17963004, 20685668). For these reasons, this variant has been classified as Pathogenic.

Literature cited by the submitters: PubMed 17963004; PubMed 20685668.

NM_000038.6(APC):c.1560del (p.Ser521fs)

Gene: APC (APC regulator of Wnt signaling pathway; plus strand). Cytogenetic location: 5q22.2.
Variant type: Deletion.
Coding change: c.1560del on transcript NM_000038.6 (MANE Select); coding-DNA position 1560, one base deleted (C; older notation c.1560delC).
Protein change: p.Ser521fs; shifts the reading frame from serine 521.
Molecular consequence: frameshift variant.
Genome position (GRCh38, 1-based): chr5:112,827,940, C deleted. VCF-style (leftmost placement, unchanged base first): chr5-112827939-GC-G. GRCh37 (hg19) VCF-style: chr5-112163636-GC-G.
Other names: c.1560del, p.Ser521fs (NM_001127510.3, NM_001354895.2); c.1506del, p.Ser503fs (NM_001127511.3); c.1614del, p.Ser539fs (NM_001354896.2); c.1590del, p.Ser531fs (NM_001354897.2); c.1485del, p.Ser496fs (NM_001354898.2); c.1476del, p.Ser493fs (NM_001354899.2); c.1437del, p.Ser480fs (NM_001354900.2); c.1383del, p.Ser462fs (NM_001354901.2); and 5 more; short protein forms S361fs, S420fs, S531fs, S462fs, S539fs, S395fs, S430fs, S480fs.
Identifiers: ClinVar variation 641011 (VCV000641011.8), dbSNP rs1580568839, ClinGen allele CA915942603.